The following is an entry in ClinVar:

NM_002332.3(LRP1):c.6414C>T (p.Ile2138=)

Gene: LRP1 (LDL receptor related protein 1; plus strand). Cytogenetic location: 12q13.3.
Variant type: single nucleotide variant.
Coding change: c.6414C>T on transcript NM_002332.3 (MANE Select); coding-DNA position 6414, C replaced by T.
Protein change: p.Ile2138=; no amino-acid change (isoleucine 2138 retained).
Molecular consequence: synonymous variant.
Genome position (GRCh38, 1-based): chr12:57,185,156, C>T. VCF-style: chr12-57185156-C-T. GRCh37 (hg19) VCF-style: chr12-57578939-C-T.
Identifiers: ClinVar variation 2643117 (VCV002643117.24), dbSNP rs772516366, ClinGen allele CA6643803.
Genomic context (GRCh38, chr12:57,185,156, plus strand): 5'-CTCTATCAAGCGCGGGAGCAAAGACAATGCCACAGACTCCGTGCCCCTGCGAACCGGCAT[C>T]GGCGTCCAGCTTAAAGACATCAAAGTCTTCAACCGGGACCGGCAGAAAGGTGAGGCTGGG-3'
Protein context (NP_002323.2, residues 2128-2148): ATDSVPLRTG[Ile2138=]GVQLKDIKVF

ClinVar aggregate classification (germline): Likely benign (1 of 4 stars; one submission).

Allele frequency attached by ClinVar (database versions not stated): TOPMed 0.00003; ExAC 0.00005; gnomAD 0.00005; gnomAD exomes 0.00005.
gnomAD v4.1: 89 of 1,614,010 alleles (0.0055%); highest among the groups gnomAD compares: Middle Eastern, 0.016%; no homozygotes.

Submission:

CeGaT Center for Human Genetics Tuebingen
Classification: Likely benign. Last evaluated: 2024-02-01. Review status: criteria provided, single submitter. Criteria: CeGaT Center For Human Genetics Tuebingen Variant Classification Criteria Version 2. Collection method: clinical testing. Allele origin: germline. Affected: yes. Observed: 2 variant alleles.
Comment: LRP1: BP4, BP7